The following is an entry in ClinVar:

ClinVar aggregate classification (germline): Uncertain significance. Review status: criteria provided, multiple submitters, no conflicts (2 of 4 stars). 2 submissions from 2 submitters: Uncertain significance (2). Last evaluated 2024-12-30.

Conditions:
Dilated Cardiomyopathy, Recessive.

Allele frequency attached by ClinVar (database versions not stated): gnomAD exomes 0.00001; ExAC 0.00003; gnomAD 0.00019 and 0.00021; TOPMed 0.00040.
gnomAD v4.1: 39 of 1,603,762 alleles (0.0024%); highest among the groups gnomAD compares: Admixed American, 0.051%; no homozygotes.

Submissions (2):

Labcorp Genetics (formerly Invitae), Labcorp
Classification: Uncertain significance. Last evaluated: 2024-12-30. Review status: criteria provided, single submitter. Criteria: Invitae Variant Classification Sherloc (09022015). Collection method: clinical testing. Allele origin: germline.
Comment: This sequence change replaces serine, which is neutral and polar, with arginine, which is basic and polar, at codon 941 of the PLEKHM2 protein (p.Ser941Arg). This variant is present in population databases (rs749682801, gnomAD 0.003%). This variant has not been reported in the literature in individuals affected with PLEKHM2-related conditions. ClinVar contains an entry for this variant (Variation ID: 544341). An algorithm developed to predict the effect of missense changes on protein structure and function outputs the following: PolyPhen-2: "Benign". The arginine amino acid residue is found in multiple mammalian species, which suggests that this missense change does not adversely affect protein function. In summary, the available evidence is currently insufficient to determine the role of this variant in disease. Therefore, it has been classified as a Variant of Uncertain Significance.

Ambry Genetics
Classification: Uncertain significance. Last evaluated: 2023-11-15. Review status: criteria provided, single submitter. Criteria: Ambry Variant Classification Scheme 2023. Collection method: clinical testing. Allele origin: germline.

NM_015164.4(PLEKHM2):c.2823C>G (p.Ser941Arg)

Gene: PLEKHM2 (pleckstrin homology and RUN domain containing M2; plus strand). Cytogenetic location: 1p36.21.
Variant type: single nucleotide variant.
Coding change: c.2823C>G on transcript NM_015164.4 (MANE Select); coding-DNA position 2823, C replaced by G.
Protein change: p.Ser941Arg; replaces serine 941 with arginine.
Molecular consequence: missense variant.
Genome position (GRCh38, 1-based): chr1:15,732,629, C>G. VCF-style: chr1-15732629-C-G. GRCh37 (hg19) VCF-style: chr1-16059124-C-G.
Other names: short protein forms S941R.
Identifiers: ClinVar variation 544341 (VCV000544341.8), dbSNP rs749682801, ClinGen allele CA617371.